The following is an entry in ClinVar:

ClinVar aggregate classification (germline): Uncertain significance (1 of 4 stars; one submission).

Conditions:
Mitochondrial hypertrophic cardiomyopathy with lactic acidosis due to MTO1 deficiency. Also called: CARDIOMYOPATHY, INFANTILE HYPERTROPHIC MITOCHONDRIAL, AND LACTIC ACIDOSIS; Combined oxidative phosphorylation deficiency 10. Identifiers: Orphanet 314637, MedGen C4749921, MONDO:0013865, OMIM 614702.

Submission:

Labcorp Genetics (formerly Invitae), Labcorp
Classification: Uncertain significance for Mitochondrial hypertrophic cardiomyopathy with lactic acidosis due to MTO1 deficiency. Last evaluated: 2022-02-03. Review status: criteria provided, single submitter. Criteria: Invitae Variant Classification Sherloc (09022015). Collection method: clinical testing. Allele origin: germline.
Comment: In summary, the available evidence is currently insufficient to determine the role of this variant in disease. Therefore, it has been classified as a Variant of Uncertain Significance. Algorithms developed to predict the effect of missense changes on protein structure and function are either unavailable or do not agree on the potential impact of this missense change (SIFT: "Deleterious"; PolyPhen-2: "Probably Damaging"; Align-GVGD: "Class C0"). ClinVar contains an entry for this variant (Variation ID: 855717). This variant has not been reported in the literature in individuals affected with MTO1-related conditions. This variant is not present in population databases (gnomAD no frequency). This sequence change replaces glycine, which is neutral and non-polar, with glutamic acid, which is acidic and polar, at codon 338 of the MTO1 protein (p.Gly338Glu).

NM_012123.4(MTO1):c.1013G>A (p.Gly338Glu)

Gene: MTO1 (mitochondrial tRNA translation optimization 1; plus strand). Cytogenetic location: 6q13.
Variant type: single nucleotide variant.
Coding change: c.1013G>A on transcript NM_012123.4 (MANE Select); coding-DNA position 1013, G replaced by A.
Protein change: p.Gly338Glu; replaces glycine 338 with glutamic acid.
Molecular consequence: missense variant.
Genome position (GRCh38, 1-based): chr6:73,480,010, G>A. VCF-style: chr6-73480010-G-A. GRCh37 (hg19) VCF-style: chr6-74189733-G-A.
Other names: c.1013G>A, p.Gly338Glu (NM_001123226.2, NM_133645.3); short protein forms G338E.
Identifiers: ClinVar variation 855717 (VCV000855717.9), dbSNP rs1771440211, ClinGen allele CA364714722.